The following is an entry in ClinVar:

NM_001282531.3(ADNP):c.2398A>T (p.Ile800Phe)

Gene: ADNP (activity dependent neuroprotector homeobox; minus strand). Cytogenetic location: 20q13.13.
Variant type: single nucleotide variant.
Coding change: c.2398A>T on transcript NM_001282531.3 (MANE Select); coding-DNA position 2398, A replaced by T.
Protein change: p.Ile800Phe; replaces isoleucine 800 with phenylalanine.
Molecular consequence: missense variant.
Genome position (GRCh38, 1-based): chr20:50,892,316, T>A on the plus strand (A>T on the coding strand, the complement: ADNP is on the minus strand). VCF-style: chr20-50892316-T-A. GRCh37 (hg19) VCF-style: chr20-49508853-T-A.
Other names: c.2398A>T, p.Ile800Phe (NM_001282532.2, NM_001347511.2, NM_015339.5 and 1 more transcripts); short protein forms I800F.
Identifiers: ClinVar variation 2573705 (VCV002573705.1), dbSNP rs998441317, ClinGen allele CA408969564.

ClinVar aggregate classification (germline): Uncertain significance (1 of 4 stars; one submission).

Submission:

GeneDx
Classification: Uncertain significance. Last evaluated: 2023-01-24. Review status: criteria provided, single submitter. Criteria: GeneDx Variant Classification Process June 2021. Collection method: clinical testing. Allele origin: germline. Affected: yes.
Comment: Not observed at significant frequency in large population cohorts (gnomAD); In silico analysis supports that this missense variant has a deleterious effect on protein structure/function; Has not been previously published as pathogenic or benign to our knowledge